The following is an entry in ClinVar:

NM_005902.4(SMAD3):c.207-26834G>A

Gene: SMAD3 (SMAD family member 3; plus strand). Cytogenetic location: 15q22.33.
Variant type: single nucleotide variant.
Coding change: c.207-26834G>A on transcript NM_005902.4 (MANE Select); 26834 bases into the intron before coding-DNA position 207, G replaced by A.
Molecular consequence: intron variant. On other transcripts: missense variant (1), 5 prime UTR variant (1).
Genome position (GRCh38, 1-based): chr15:67,138,061, G>A. VCF-style: chr15-67138061-G-A. GRCh37 (hg19) VCF-style: chr15-67430399-G-A.
Other names: c.35G>A, p.Gly12Asp (NM_001145103.2); c.-571G>A (NM_001407016.1); c.207-26834G>A (NM_001407011.1, NM_001407013.1, NM_001407012.1); c.60-26834G>A (NM_001407014.1); c.-110+12077G>A (NM_001145102.2, NM_001407015.1); short protein forms G12D.
Identifiers: ClinVar variation 2662860 (VCV002662860.1), dbSNP rs2505110718, ClinGen allele CA393204785.

ClinVar aggregate classification (germline): Uncertain significance (1 of 4 stars; one submission).

Allele frequency attached by ClinVar (database versions not stated): gnomAD exomes below 0.00001.

Submission:

GeneDx
Classification: Uncertain significance. Last evaluated: 2023-04-27. Review status: criteria provided, single submitter. Criteria: GeneDx Variant Classification Process June 2021. Collection method: clinical testing. Allele origin: germline. Affected: yes.
Comment: Not observed at significant frequency in large population cohorts (gnomAD); Has not been previously published as pathogenic or benign to our knowledge; Reported using an alternate transcript of the gene; In silico analysis supports that this variant does not alter splicing